The following is an entry in ClinVar:

NM_001011719.2(ARSH):c.196C>T (p.Arg66Trp)

Gene: ARSH (arylsulfatase family member H; plus strand). Cytogenetic location: Xp22.33.
Variant type: single nucleotide variant.
Coding change: c.196C>T on transcript NM_001011719.2 (MANE Select); coding-DNA position 196, C replaced by T.
Protein change: p.Arg66Trp; replaces arginine 66 with tryptophan.
Molecular consequence: missense variant.
Genome position (GRCh38, 1-based): chrX:3,010,133, C>T. VCF-style: chrX-3010133-C-T. GRCh37 (hg19) VCF-style: chrX-2928174-C-T.
Other names: short protein forms R66W.
Identifiers: ClinVar variation 2362277 (VCV002362277.26), dbSNP rs148749736, ClinGen allele CA10338392.

ClinVar aggregate classification (germline): Conflicting classifications of pathogenicity. Review status: criteria provided, conflicting classifications (1 of 4 stars). 2 submissions from 2 submitters: Uncertain significance (1); Likely benign (1). Last evaluated 2023-03-01.

Allele frequency attached by ClinVar (database versions not stated): ExAC 0.00007; TOPMed 0.00007; gnomAD exomes 0.00018; ESP Exome Variant Server 0.00019.
gnomAD v4.1: 207 of 1,209,371 alleles (0.017%); highest among the groups gnomAD compares: Middle Eastern, 0.069%; no homozygotes.

Submissions (2):

CeGaT Center for Human Genetics Tuebingen
Classification: Likely benign. Last evaluated: 2023-03-01. Review status: criteria provided, single submitter. Criteria: CeGaT Center For Human Genetics Tuebingen Variant Classification Criteria Version 2. Collection method: clinical testing. Allele origin: germline. Affected: yes. Observed: 1 variant allele.
Comment: ARSH: BS2

Ambry Genetics
Classification: Uncertain significance. Last evaluated: 2021-08-16. Review status: criteria provided, single submitter. Criteria: Ambry Variant Classification Scheme 2023. Collection method: clinical testing. Allele origin: germline.